The following is an entry in ClinVar:

NM_003896.4(ST3GAL5):c.580C>T (p.Arg194Cys)

Gene: ST3GAL5 (ST3 beta-galactoside alpha-2,3-sialyltransferase 5; minus strand). Cytogenetic location: 2p11.2.
Variant type: single nucleotide variant.
Coding change: c.580C>T on transcript NM_003896.4 (MANE Select); coding-DNA position 580, C replaced by T.
Protein change: p.Arg194Cys; replaces arginine 194 with cysteine.
Molecular consequence: missense variant. On other transcripts: 5 prime UTR variant (1).
Genome position (GRCh38, 1-based): chr2:85,847,943, G>A on the plus strand (C>T on the coding strand, the complement: ST3GAL5 is on the minus strand). VCF-style: chr2-85847943-G-A. GRCh37 (hg19) VCF-style: chr2-86075066-G-A.
Other names: c.511C>T, p.Arg171Cys (NM_001042437.2); c.196C>T, p.Arg66Cys (NM_001354223.2, NM_001354224.2, NM_001354226.2 and 3 more transcripts); c.496C>T, p.Arg166Cys (NM_001354227.2, NM_001354229.2, NM_001354238.1); c.-325C>T (NM_001354247.1); c.580C>T, p.Arg194Cys (NM_001363847.1); short protein forms R171C, R194C, R66C, R166C.
Identifiers: ClinVar variation 898381 (VCV000898381.7), dbSNP rs377626779, ClinGen allele CA1745019.

ClinVar aggregate classification (germline): Uncertain significance. Review status: criteria provided, multiple submitters, no conflicts (2 of 4 stars). 3 submissions from 3 submitters: Uncertain significance (3). Last evaluated 2024-01-23.

Conditions:
GM3 synthase deficiency (SPDRS). Also called: SALT AND PEPPER DEVELOPMENTAL REGRESSION SYNDROME; AMISH INFANTILE EPILEPSY SYNDROME; SALT AND PEPPER MENTAL RETARDATION SYNDROME. Identifiers: Orphanet 171714, Orphanet 370933, MedGen C1836824, MONDO:0018274, OMIM 609056.
Inborn genetic diseases. Identifiers: MedGen C0950123, MeSH D030342.

Allele frequency attached by ClinVar (database versions not stated): gnomAD exomes 0.00001 and 0.00003; ExAC 0.00004; gnomAD 0.00009; TOPMed 0.00014; ESP Exome Variant Server 0.00015.
gnomAD v4.1: 28 of 1,614,008 alleles (0.0017%); highest among the groups gnomAD compares: African/African-American, 0.019%; no homozygotes.

Submissions (3):

Ambry Genetics
Classification: Uncertain significance for Inborn genetic diseases. Last evaluated: 2024-01-23. Review status: criteria provided, single submitter. Criteria: Ambry Variant Classification Scheme 2023. Collection method: clinical testing. Allele origin: germline.

Labcorp Genetics (formerly Invitae), Labcorp
Classification: Uncertain significance for GM3 synthase deficiency. Last evaluated: 2022-06-22. Review status: criteria provided, single submitter. Criteria: Invitae Variant Classification Sherloc (09022015). Collection method: clinical testing. Allele origin: germline.
Comment: This sequence change replaces arginine, which is basic and polar, with cysteine, which is neutral and slightly polar, at codon 194 of the ST3GAL5 protein (p.Arg194Cys). This variant is present in population databases (rs377626779, gnomAD 0.03%). This variant has not been reported in the literature in individuals affected with ST3GAL5-related conditions. ClinVar contains an entry for this variant (Variation ID: 898381). Algorithms developed to predict the effect of missense changes on protein structure and function (SIFT, PolyPhen-2, Align-GVGD) all suggest that this variant is likely to be disruptive. In summary, the available evidence is currently insufficient to determine the role of this variant in disease. Therefore, it has been classified as a Variant of Uncertain Significance.

Illumina Laboratory Services, Illumina
Classification: Uncertain significance for GM3 synthase deficiency. Last evaluated: 2018-01-12. Review status: criteria provided, single submitter. Criteria: ICSL Variant Classification Criteria 13 December 2019. Collection method: clinical testing. Allele origin: germline.